The following is an entry in ClinVar:

NM_004612.4(TGFBR1):c.978G>C (p.Lys326Asn)

Gene: TGFBR1 (transforming growth factor beta receptor 1; plus strand). Cytogenetic location: 9q22.33.
Variant type: single nucleotide variant.
Coding change: c.978G>C on transcript NM_004612.4 (MANE Select); coding-DNA position 978, G replaced by C.
Protein change: p.Lys326Asn; replaces lysine 326 with asparagine.
Molecular consequence: missense variant.
Genome position (GRCh38, 1-based): chr9:99,144,736, G>C. VCF-style: chr9-99144736-G-C. GRCh37 (hg19) VCF-style: chr9-101907018-G-C.
Other names: p.K326N:AAG>AAC; c.747G>C, p.Lys249Asn (NM_001130916.3); c.990G>C, p.Lys330Asn (NM_001306210.2); short protein forms K326N, K330N, K249N.
Identifiers: ClinVar variation 213885 (VCV000213885.2), dbSNP rs863223820, ClinGen allele CA324340.

ClinVar aggregate classification (germline): Uncertain significance (1 of 4 stars; one submission).

Submission:

GeneDx
Classification: Uncertain significance. Last evaluated: 2015-06-22. Review status: criteria provided, single submitter. Criteria: GeneDx Variant Classification (06012015). Collection method: clinical testing. Allele origin: germline. Affected: yes.
Comment: p.Lys326Asn (K326N) (AAG>AAC): c.978 G>C in exon 6 of the TGFBR1 gene (NM_004612.2) A variant of unknown significance has been identified in the TGFBR1 gene. The K326N variant has not been published as a mutation, nor has it been reported as a benign polymorphism to our knowledge. The K326N variant was not observed in approximately 6500 individuals of European and African American ancestry in the NHLBI Exome Sequencing Project, indicating it is not a common benign variant in these populations. The K326N variant is a semi-conservative amino acid substitution, which may impact secondary protein structure as these residues differ in some properties. This substitution occurs at a position that is conserved across species. In silico analysis predicts this variant is probably damaging to the protein structure/function. Finally, missense mutations in nearby residues (M318R, K335Q) have been reported in association with TGFBR1-related disorders, supporting the functional importance of this region of the protein. Therefore, based on the currently available information, it is unclear whether this variant is a pathogenic mutation or a rare benign variant. This variant was found in TAADV2-PANCARD